The following is an entry in ClinVar:

NM_007272.3(CTRC):c.638A>G (p.Asn213Ser)

Gene: CTRC (chymotrypsin C; plus strand). Cytogenetic location: 1p36.21.
Variant type: single nucleotide variant.
Coding change: c.638A>G on transcript NM_007272.3 (MANE Select); coding-DNA position 638, A replaced by G.
Protein change: p.Asn213Ser; replaces asparagine 213 with serine.
Molecular consequence: missense variant.
Genome position (GRCh38, 1-based): chr1:15,444,750, A>G. VCF-style: chr1-15444750-A-G. GRCh37 (hg19) VCF-style: chr1-15771245-A-G.
Other names: short protein forms N213S.
Identifiers: ClinVar variation 292912 (VCV000292912.7), dbSNP rs886045375, ClinGen allele CA10607884.

ClinVar aggregate classification (germline): Uncertain significance. Review status: criteria provided, multiple submitters, no conflicts (2 of 4 stars). 2 submissions from 2 submitters: Uncertain significance (2). Last evaluated 2018-01-12.

Conditions:
Hereditary pancreatitis (PCTT). Also called: Hereditary chronic pancreatitis; PRSS1-Related Hereditary Pancreatitis. Identifiers: Orphanet 676, MedGen C0238339, MONDO:0008185, OMIM 167800.

Allele frequency attached by ClinVar (database versions not stated): gnomAD exomes below 0.00001.
gnomAD v4.1: 1 of 1,614,172 alleles (0.000062%); highest among the groups gnomAD compares: Non-Finnish European, 0.000085%; no homozygotes.

Submissions (2):

Illumina Laboratory Services, Illumina
Classification: Uncertain significance for Hereditary pancreatitis. Last evaluated: 2018-01-12. Review status: criteria provided, single submitter. Criteria: ICSL Variant Classification Criteria 13 December 2019. Collection method: clinical testing. Allele origin: germline.

Ambry Genetics
Classification: Uncertain significance for Hereditary pancreatitis. Last evaluated: 2017-08-24. Review status: criteria provided, single submitter. Criteria: Ambry Variant Classification Scheme 2023. Collection method: clinical testing. Allele origin: germline.
Comment: The p.N213S variant (also known as c.638A>G), located in coding exon 6 of the CTRC gene, results from an A to G substitution at nucleotide position 638. The asparagine at codon 213 is replaced by serine, an amino acid with highly similar properties. This amino acid position is well conserved in available vertebrate species. In addition, this alteration is predicted to be tolerated by in silico analysis. Since supporting evidence is limited at this time, the clinical significance of this alteration remains unclear.